The following is an entry in ClinVar:

NM_004006.3(DMD):c.264+1G>C

Gene: DMD (dystrophin; minus strand). Cytogenetic location: Xp21.1.
Variant type: single nucleotide variant.
Coding change: c.264+1G>C on transcript NM_004006.3 (MANE Select); the canonical splice donor site of the intron after coding-DNA position 264, G replaced by C.
Molecular consequence: splice donor variant.
Genome position (GRCh38, 1-based): chrX:32,844,782, C>G on the plus strand (G>C on the coding strand, the complement: DMD is on the minus strand). VCF-style: chrX-32844782-C-G. GRCh37 (hg19) VCF-style: chrX-32862899-C-G.
Other names: c.240+1G>C (NM_000109.4); c.252+1G>C (NM_004009.3); c.-106+1G>C (NM_004010.3).
Identifiers: ClinVar variation 4723631 (VCV004723631.1).

ClinVar aggregate classification (germline): Pathogenic (1 of 4 stars; one submission).

Conditions:
Duchenne muscular dystrophy (DMD). Also called: MUSCULAR DYSTROPHY, PSEUDOHYPERTROPHIC PROGRESSIVE, DUCHENNE TYPE; Duchenne Muscular Dystrophy (DMD). Identifiers: Orphanet 98896, MedGen C0013264, MONDO:0010679, OMIM 310200.

Submission:

Labcorp Genetics (formerly Invitae), Labcorp
Classification: Pathogenic for Duchenne muscular dystrophy. Last evaluated: 2025-09-15. Review status: criteria provided, single submitter. Criteria: Invitae Variant Classification Sherloc (09022015). Collection method: clinical testing. Allele origin: germline.
Comment: This sequence change affects a donor splice site in intron 4 of the DMD gene. RNA analysis indicates that disruption of this splice site induces altered splicing and likely results in a shortened protein product. This variant is not present in population databases (gnomAD no frequency). Disruption of this splice site has been observed in individual(s) with DMD-related dystrophinopathy (PMID: 25972034, 28859693, 32504006). Studies have shown that disruption of this splice site results in skipping of exon 4, but is expected to preserve the integrity of the reading-frame (PMID: 32504006). For these reasons, this variant has been classified as Pathogenic.

Literature cited by the submitters: PubMed 25972034; PubMed 28859693; PubMed 32504006.